The following is an entry in ClinVar:

NM_001001433.3(STX16):c.823G>A (p.Val275Ile)

Genes: STX16 (syntaxin 16; plus strand), STX16-NPEPL1 (STX16-NPEPL1 readthrough (NMD candidate); plus strand). Cytogenetic location: 20q13.32.
Variant type: single nucleotide variant.
Coding change: c.823G>A on transcript NM_001001433.3 (MANE Select); coding-DNA position 823, G replaced by A.
Protein change: p.Val275Ile; replaces valine 275 with isoleucine.
Molecular consequence: missense variant. On other transcripts: non-coding transcript variant (4).
Genome position (GRCh38, 1-based): chr20:58,673,661, G>A. VCF-style: chr20-58673661-G-A. GRCh37 (hg19) VCF-style: chr20-57248717-G-A.
Other names: c.811G>A, p.Val271Ile (NM_001134772.3); c.772G>A, p.Val258Ile (NM_001134773.3); c.664G>A, p.Val222Ile (NM_001204868.2); c.760G>A, p.Val254Ile (NM_003763.6); short protein forms V254I, V258I, V275I, V222I, V271I.
Identifiers: ClinVar variation 3171735 (VCV003171735.4), dbSNP rs749300349, ClinGen allele CA9925453.

ClinVar aggregate classification (germline): Uncertain significance. Review status: criteria provided, multiple submitters, no conflicts (2 of 4 stars). 3 submissions from 3 submitters: Uncertain significance (3). Last evaluated 2026-07-14.

Conditions:
STX16-related disorder. Also called: STX16-related condition.
Inborn genetic diseases. Identifiers: MedGen C0950123, MeSH D030342.
Pseudohypoparathyroidism type 1B (PHP1B). Also called: Pseudohypoparathyroidism Type IB; Pseudohypoparathyroidism Ib (PHP-Ib); PHP IB. Identifiers: Orphanet 94089, MedGen C1864100, MONDO:0011301, OMIM 603233.

Allele frequency attached by ClinVar (database versions not stated): ExAC 0.00001; gnomAD 0.00005; TOPMed 0.00008; gnomAD exomes 0.00010.
gnomAD v4.1: 163 of 1,613,288 alleles (0.01%); highest among the groups gnomAD compares: Non-Finnish European, 0.013%; no homozygotes.

Submissions (3):

PreventionGenetics, part of Exact Sciences
Classification: Uncertain significance for STX16-related condition. Last evaluated: 2026-07-14. Review status: criteria provided, single submitter. Criteria: ACMG Guidelines, 2015. Collection method: clinical testing. Allele origin: germline.
Comment: The STX16 c.823G>A variant is predicted to result in the amino acid substitution p.Val275Ile. To our knowledge, this variant has not been reported in the literature. This variant is reported in 0.0085% of alleles in individuals of European (Non-Finnish) descent in gnomAD. At this time, the clinical significance of this variant is uncertain due to the absence of conclusive functional and genetic evidence.

Ambry Genetics
Classification: Uncertain significance for Inborn genetic diseases. Last evaluated: 2025-10-18. Review status: criteria provided, single submitter. Criteria: Ambry Variant Classification Scheme 2023. Collection method: clinical testing. Allele origin: germline.

Fulgent Genetics
Classification: Uncertain significance for Pseudohypoparathyroidism type 1B. Last evaluated: 2024-02-13. Review status: criteria provided, single submitter. Criteria: ACMG Guidelines, 2015. Collection method: clinical testing. Allele origin: germline.